The following is an entry in ClinVar:

ClinVar aggregate classification (germline): Benign. Review status: criteria provided, multiple submitters, no conflicts (2 of 4 stars). 2 submissions from 2 submitters: Benign (2). Last evaluated 2018-06-14.

Allele frequency attached by ClinVar (database versions not stated): 1000 Genomes Project 0.03554; 1000 Genomes Project 30x 0.03607.
gnomAD v4.1: 3,541 of 717,640 alleles (0.49%); highest among the groups gnomAD compares: African/African-American, 6.2%; 172 homozygotes.

Submissions (2):

GeneDx
Classification: Benign. Last evaluated: 2018-06-14. Review status: criteria provided, single submitter. Criteria: GeneDx Variant Classification (06012015). Collection method: clinical testing. Allele origin: germline. Affected: yes.
Comment: This variant is considered likely benign or benign based on one or more of the following criteria: it is a conservative change, it occurs at a poorly conserved position in the protein, it is predicted to be benign by multiple in silico algorithms, and/or has population frequency not consistent with disease.

Breakthrough Genomics
Classification: Benign. Review status: criteria provided, single submitter. Criteria: ACMG Guidelines, 2015. Collection method: not provided. Allele origin: germline. Inheritance: Autosomal recessive inheritance. Affected: yes.

NM_004092.4(ECHS1):c.619+116A>G

Gene: ECHS1 (enoyl-CoA hydratase, short chain 1; minus strand). Cytogenetic location: 10q26.3.
Variant type: single nucleotide variant.
Coding change: c.619+116A>G on transcript NM_004092.4 (MANE Select); 116 bases into the intron after coding-DNA position 619, A replaced by G.
Molecular consequence: intron variant.
Genome position (GRCh38, 1-based): chr10:133,366,773, T>C on the plus strand (A>G on the coding strand, the complement: ECHS1 is on the minus strand). VCF-style: chr10-133366773-T-C. GRCh37 (hg19) VCF-style: chr10-135180277-T-C.
Identifiers: ClinVar variation 676731 (VCV000676731.2), dbSNP rs186464506, ClinGen allele CA216816143.